The following is an entry in ClinVar:

NM_007327.4(GRIN1):c.2473G>C (p.Val825Leu)

Gene: GRIN1 (glutamate ionotropic receptor NMDA type subunit 1; plus strand). Cytogenetic location: 9q34.3.
Variant type: single nucleotide variant.
Coding change: c.2473G>C on transcript NM_007327.4 (MANE Select); coding-DNA position 2473, G replaced by C.
Protein change: p.Val825Leu; replaces valine 825 with leucine.
Molecular consequence: missense variant.
Genome position (GRCh38, 1-based): chr9:137,163,788, G>C. VCF-style: chr9-137163788-G-C. GRCh37 (hg19) VCF-style: chr9-140058240-G-C.
Other names: c.2473G>C, p.Val825Leu (NM_000832.7, NM_021569.4); c.2536G>C, p.Val846Leu (NM_001185090.2, NM_001185091.2); short protein forms V825L, V846L.
Identifiers: ClinVar variation 3383450 (VCV003383450.1).

ClinVar aggregate classification (germline): Uncertain significance (1 of 4 stars; one submission).

Submission:

GeneDx
Classification: Uncertain significance. Last evaluated: 2024-05-21. Review status: criteria provided, single submitter. Criteria: GeneDx Variant Classification Process June 2021. Collection method: clinical testing. Allele origin: germline. Affected: yes.
Comment: Not observed at significant frequency in large population cohorts (gnomAD); In silico analysis indicates that this missense variant does not alter protein structure/function; Has not been previously published as pathogenic or benign to our knowledge; This variant is associated with the following publications: (PMID: 27164704)